The following is an entry in ClinVar:

NM_002470.4(MYH3):c.1123G>A (p.Glu375Lys)

Gene: MYH3 (myosin heavy chain 3; minus strand). Cytogenetic location: 17p13.1.
Variant type: single nucleotide variant.
Coding change: c.1123G>A on transcript NM_002470.4 (MANE Select); coding-DNA position 1123, G replaced by A.
Protein change: p.Glu375Lys; replaces glutamic acid 375 with lysine.
Molecular consequence: missense variant.
Genome position (GRCh38, 1-based): chr17:10,645,725, C>T on the plus strand (G>A on the coding strand, the complement: MYH3 is on the minus strand). VCF-style: chr17-10645725-C-T. GRCh37 (hg19) VCF-style: chr17-10549042-C-T.
Other names: c.1123G>A (NM_002470.3); short protein forms E375K.
Identifiers: ClinVar variation 14143 (VCV000014143.22), dbSNP rs121913621, ClinGen allele CA123759.

ClinVar aggregate classification (germline): Conflicting classifications of pathogenicity. Review status: criteria provided, conflicting classifications (1 of 4 stars). 9 submissions from 9 submitters: Pathogenic (1); Likely pathogenic (5); Uncertain significance (2). 1 of the submissions does not count toward it. Last evaluated 2025-08-01.

Conditions:
Arthrogryposis, distal, type 2B3. Also called: Arthrogryposis, distal, type 2B3 (Sheldon-Hall). Identifiers: MedGen C5193098, MONDO:0032751, OMIM 618436.
MYH3-related disorder. Also called: MYH3-related condition; MYH3-Related Disorders. Identifiers: MedGen CN239329.

Submissions (9):

PreventionGenetics, part of Exact Sciences
Classification: Likely pathogenic for MYH3-related condition. Last evaluated: 2025-08-01. Review status: criteria provided, single submitter. Criteria: ACMG Guidelines, 2015. Collection method: clinical testing. Allele origin: germline.
Comment: The MYH3 c.1123G>A variant is predicted to result in the amino acid substitution p.Glu375Lys. This variant has been reported in the heterozygous state in at least one family with distal arthrogryposis (reported as 1192G>A, p.Glu375Lys in Toydemir et al. 2006. PubMed ID: 16642020; Todd et al. 2015. PubMed ID: 26578207). At PreventionGenetics, we have observed this variant in the heterozygous state in additional individuals with distal arthrogryposis (internal data). To our knowledge, this variant has not been reported in the literature or in a large population database (gnomAD), indicating this variant is rare. This variant is interpreted as likely pathogenic for autosomal dominant distal arthrogryposis.

GeneDx
Classification: Likely pathogenic. Last evaluated: 2024-11-06. Review status: criteria provided, single submitter. Criteria: GeneDx Variant Classification Process June 2021. Collection method: clinical testing. Allele origin: germline. Affected: yes.
Comment: Not observed at significant frequency in large population cohorts (gnomAD); In silico analysis supports that this missense variant has a deleterious effect on protein structure/function; This variant is associated with the following publications: (PMID: 31030430, 19309503, 29625835, 17380469, 16642020, 38421226, 26578207)

Dasa
Classification: Likely pathogenic. Last evaluated: 2024-09-12. Review status: criteria provided, single submitter. Criteria: DASA Assertion Criteria. Collection method: clinical testing. Allele origin: germline.
Comment: NM_002470.4(MYH3):c.1123G>A (p.Glu375Lys) is a missense variant that results in the substitution of glutamic acid with lysine. This variant has been reported in individuals with MYH3-related disorders. Also, this variant is absent from population databases. Computational evidence supports a deleterious effect. Based on the currently available evidence, this variant is classified as likely pathogenic.

Genetics Laboratory, UDIAT-Centre Diagnòstic, Hospital Universitari Parc Tauli
Classification: Likely pathogenic for arthrogryposis, distal, type 2B3. Last evaluated: 2024-06-19. Review status: criteria provided, single submitter. Criteria: ACMG Guidelines, 2015. Collection method: clinical testing. Allele origin: unknown. Inheritance: Autosomal dominant inheritance. Affected: yes.
Comment: PM1_moderate;PM2_supporting;PP3_supporting;PP4_supporting

Labcorp Genetics (formerly Invitae), Labcorp
Classification: Uncertain significance. Last evaluated: 2022-06-07. Review status: criteria provided, single submitter. Criteria: Invitae Variant Classification Sherloc (09022015). Collection method: clinical testing. Allele origin: germline.
Comment: In summary, the available evidence is currently insufficient to determine the role of this variant in disease. Therefore, it has been classified as a Variant of Uncertain Significance. Algorithms developed to predict the effect of missense changes on protein structure and function (SIFT, PolyPhen-2, Align-GVGD) all suggest that this variant is likely to be disruptive. ClinVar contains an entry for this variant (Variation ID: 14143). This missense change has been observed in individuals with distal arthrogryposis (PMID: 16642020, 26578207, 31030430). This variant is not present in population databases (gnomAD no frequency). This sequence change replaces glutamic acid, which is acidic and polar, with lysine, which is basic and polar, at codon 375 of the MYH3 protein (p.Glu375Lys).

Blueprint Genetics
Classification: Likely pathogenic for MYH3-related disorders. Last evaluated: 2021-08-26. Review status: criteria provided, single submitter. Criteria: ACMG Guidelines, 2015. Collection method: clinical testing. Allele origin: germline. Affected: yes. Observed: 1 variant allele.

Revvity Omics, Revvity
Classification: Pathogenic. Last evaluated: 2021-02-26. Review status: criteria provided, single submitter. Criteria: ACMG Guidelines, 2015. Collection method: clinical testing. Allele origin: germline.

SIB Swiss Institute of Bioinformatics
Classification: Uncertain significance for Arthrogryposis, distal, type 2B3. Last evaluated: 2019-08-21. Review status: criteria provided, single submitter. Criteria: ACMG Guidelines, 2015. Collection method: curation. Allele origin: unknown.
Comment: This variant is interpreted as a variant of uncertain significance for Arthrogryposis, distal, 2B3, autosomal dominant. The following ACMG Tag(s) were applied: PM2, PP3, PM1.

OMIM
Classification: Pathogenic for ARTHROGRYPOSIS, DISTAL, TYPE 2B3. Last evaluated: 2006-05-01. Review status: no assertion criteria provided. Collection method: literature only. Allele origin: germline. Not counted in ClinVar's aggregate classification.

Literature cited by the submitters: PubMed 16642020 (cited by 3 submitters); PubMed 26578207 (cited by Labcorp Genetics (formerly Invitae), Labcorp); PubMed 31030430 (cited by Labcorp Genetics (formerly Invitae), Labcorp).